The following is an entry in ClinVar:

NM_001039591.3(USP9X):c.7601_7603del (p.Gln2534del)

Gene: USP9X (ubiquitin specific peptidase 9 X-linked; plus strand). Cytogenetic location: Xp11.4.
Variant type: Deletion.
Coding change: c.7601_7603del on transcript NM_001039591.3 (MANE Select); coding-DNA positions 7601 to 7603, 3 bases deleted (AAC; older notation c.7601_7603delAAC).
Protein change: p.Gln2534del; deletes glutamine 2534.
Genome position (GRCh38, 1-based): chrX:41,232,460-41,232,462, AAC deleted; deleting any 3 consecutive bases within chrX:41,232,459-41,232,462 gives the same sequence; the c. name uses the placement nearest the transcript's 3' end. VCF-style (leftmost placement, unchanged base first): chrX-41232458-CCAA-C. GRCh37 (hg19) VCF-style: chrX-41091711-CCAA-C.
Other names: c.7649_7651del, p.Gln2550del (NM_001039590.3); c.7664_7666del, p.Gln2555del (NM_001410748.1); c.7616_7618del, p.Gln2539del (NM_001410749.1, NM_001437534.1); short protein forms Q2534del, Q2539del, Q2550del, Q2555del.
Identifiers: ClinVar variation 4527143 (VCV004527143.1).
Genomic context (GRCh38, chrX:41,232,458, plus strand): 5'-GCATGGACAGCCATATACAGGCCCAGCAGCACATCACATGAACAACCCTCAGAGAACTGG[CCAA>C]CGAGCACAAGAAAATTATGAAGGCAGTGAAGAAGTATCCCCACCTCAAACCAAGGATCAA-3'

ClinVar aggregate classification (germline): Uncertain significance (1 of 4 stars; one submission).

Submission:

GeneDx
Classification: Uncertain significance. Last evaluated: 2025-04-21. Review status: criteria provided, single submitter. Criteria: GeneDx Variant Classification Process June 2021. Collection method: clinical testing. Allele origin: germline. Affected: yes.
Comment: Not observed at significant frequency in large population cohorts (gnomAD); In-frame deletion of 1 amino acid(s) in a non-repeat region; In silico analysis supports a deleterious effect on protein structure/function; Has not been previously published as pathogenic or benign to our knowledge